The following is an entry in ClinVar:

NM_005428.4(VAV1):c.2350T>C (p.Phe784Leu)

Gene: VAV1 (vav guanine nucleotide exchange factor 1; plus strand). Cytogenetic location: 19p13.3.
Variant type: single nucleotide variant.
Coding change: c.2350T>C on transcript NM_005428.4 (MANE Select); coding-DNA position 2350, T replaced by C.
Protein change: p.Phe784Leu; replaces phenylalanine 784 with leucine.
Molecular consequence: missense variant.
Genome position (GRCh38, 1-based): chr19:6,853,964, T>C. VCF-style: chr19-6853964-T-C. GRCh37 (hg19) VCF-style: chr19-6853975-T-C.
Other names: c.2284T>C, p.Phe762Leu (NM_001258206.2); c.2254T>C, p.Phe752Leu (NM_001258207.2); short protein forms F784L, F752L, F762L.
Identifiers: ClinVar variation 2743265 (VCV002743265.3), dbSNP rs2512410047, ClinGen allele CA403637651.
Genomic context (GRCh38, chr19:6,853,964, plus strand): 5'-ATCTGCCCCAGACCCTTTTCTCACTTCTGTTCTCTCTCCACAGTGGGAAGCACAAAGTAT[T>C]TTGGCACAGCCAAAGCCCGCTATGACTTCTGCGCCCGAGACCGATCAGAGCTGTCGCTCA-3'
Protein context (NP_005419.2, residues 774-794): SRPAVGSTKY[Phe784Leu]GTAKARYDFC

ClinVar aggregate classification (germline): Uncertain significance (1 of 4 stars; one submission).

Submission:

Labcorp Genetics (formerly Invitae), Labcorp
Classification: Uncertain significance. Last evaluated: 2023-07-21. Review status: criteria provided, single submitter. Criteria: Invitae Variant Classification Sherloc (09022015). Collection method: clinical testing. Allele origin: germline.
Comment: In summary, the available evidence is currently insufficient to determine the role of this variant in disease. Therefore, it has been classified as a Variant of Uncertain Significance. This sequence change replaces phenylalanine, which is neutral and non-polar, with leucine, which is neutral and non-polar, at codon 784 of the VAV1 protein (p.Phe784Leu). This variant is not present in population databases (gnomAD no frequency). This variant has not been reported in the literature in individuals affected with VAV1-related conditions. An algorithm developed to predict the effect of missense changes on protein structure and function (PolyPhen-2) suggests that this variant is likely to be tolerated.